The following is an entry in ClinVar:

ClinVar aggregate classification (germline): Likely pathogenic (1 of 4 stars; one submission).

Conditions:
Ullrich congenital muscular dystrophy 2 (UCMD2). Identifiers: Orphanet 75840, MedGen C4225314, MONDO:0014654, OMIM 616470.
Bethlem myopathy 2 (BTHLM2). Identifiers: Orphanet 536516, Orphanet 610, MedGen C4225313, MONDO:0034022, OMIM 616471.

Submission:

Labcorp Genetics (formerly Invitae), Labcorp
Classification: Likely pathogenic for Bethlem myopathy 2; Ullrich congenital muscular dystrophy 2. Last evaluated: 2025-02-17. Review status: criteria provided, single submitter. Criteria: Invitae Variant Classification Sherloc (09022015). Collection method: clinical testing. Allele origin: germline.
Comment: This sequence change replaces glycine, which is neutral and non-polar, with aspartic acid, which is acidic and polar, at codon 3024 of the COL12A1 protein (p.Gly3024Asp). This variant is not present in population databases (gnomAD no frequency). This missense change has been observed in individual(s) with clinical features of COL12A1-related conditions (internal data). In at least one individual the variant was observed to be de novo. ClinVar contains an entry for this variant (Variation ID: 2934423). An algorithm developed to predict the effect of missense changes on protein structure and function (PolyPhen-2) suggests that this variant is likely to be disruptive. In summary, the currently available evidence indicates that the variant is pathogenic, but additional data are needed to prove that conclusively. Therefore, this variant has been classified as Likely Pathogenic.

NM_004370.6(COL12A1):c.9071G>A (p.Gly3024Asp)

Gene: COL12A1 (collagen type XII alpha 1 chain; minus strand). Cytogenetic location: 6q13.
Variant type: single nucleotide variant.
Coding change: c.9071G>A on transcript NM_004370.6 (MANE Select); coding-DNA position 9071, G replaced by A.
Protein change: p.Gly3024Asp; replaces glycine 3024 with aspartic acid.
Molecular consequence: missense variant.
Genome position (GRCh38, 1-based): chr6:75,087,687, C>T on the plus strand (G>A on the coding strand, the complement: COL12A1 is on the minus strand). VCF-style: chr6-75087687-C-T. GRCh37 (hg19) VCF-style: chr6-75797403-C-T.
Other names: c.9071G>A, p.Gly3024Asp (NM_001424113.1); c.9050G>A, p.Gly3017Asp (NM_001424114.1); c.8798G>A, p.Gly2933Asp (NM_001424115.1); c.5579G>A, p.Gly1860Asp (NM_001424116.1, NM_080645.3); short protein forms G1860D, G2933D, G3024D, G3017D.
Identifiers: ClinVar variation 2934423 (VCV002934423.3), dbSNP rs2533015150, ClinGen allele CA364732990.